The following is an entry in ClinVar:

NM_015915.5(ATL1):c.34+4A>G

Genes: ATL1 (atlastin GTPase 1; plus strand), MAP4K5 (mitogen-activated protein kinase kinase kinase kinase 5; minus strand). Cytogenetic location: 14q22.1.
Variant type: single nucleotide variant.
Coding change: c.34+4A>G on transcript NM_015915.5 (MANE Select); 4 bases into the intron after coding-DNA position 34, A replaced by G.
Molecular consequence: intron variant.
Genome position (GRCh38, 1-based): chr14:50,560,303, A>G. VCF-style: chr14-50560303-A-G. GRCh37 (hg19) VCF-style: chr14-51027021-A-G.
Other names: c.34+4A>G (NM_001127713.1, NM_181598.4).
Identifiers: ClinVar variation 964756 (VCV000964756.9), dbSNP rs184968459, ClinGen allele CA7180150.

ClinVar aggregate classification (germline): Conflicting classifications of pathogenicity. Review status: criteria provided, conflicting classifications (1 of 4 stars). 3 submissions from 3 submitters: Uncertain significance (1); Likely benign (2). Last evaluated 2026-07-01.

Conditions:
Hereditary spastic paraplegia 3A (SPG3A). Also called: SPASTIC PARAPLEGIA 3, AUTOSOMAL DOMINANT; FAMILIAL SPASTIC PARAPLEGIA, AUTOSOMAL DOMINANT, 1; SPG3; STRUMPELL DISEASE; Spastic Paraplegia 3A; Spastic paraplegia 3A, autosomal dominant. Identifiers: Orphanet 100984, MedGen C2931355, MONDO:0008437, OMIM 182600.
ATL1-related disorder. Also called: ATL1-related condition.

Allele frequency attached by ClinVar (database versions not stated): gnomAD 0.00001 and 0.00003; gnomAD exomes 0.00001 and 0.00003; ExAC 0.00002; TOPMed 0.00004; 1000 Genomes Project 0.00040; 1000 Genomes Project 30x 0.00047.
gnomAD v4.1: 18 of 1,613,870 alleles (0.0011%); highest among the groups gnomAD compares: Admixed American, 0.03%; no homozygotes.

Submissions (3):

CeGaT Center for Human Genetics Tuebingen
Classification: Likely benign. Last evaluated: 2026-07-01. Review status: criteria provided, single submitter. Criteria: CeGaT Center For Human Genetics Tuebingen Variant Classification Criteria Version 2. Collection method: clinical testing. Allele origin: germline. Affected: yes. Observed: 1 variant allele.
Comment: ATL1: BP4

Labcorp Genetics (formerly Invitae), Labcorp
Classification: Uncertain significance for Hereditary spastic paraplegia 3A. Last evaluated: 2025-07-14. Review status: criteria provided, single submitter. Criteria: Invitae Variant Classification Sherloc (09022015). Collection method: clinical testing. Allele origin: germline.
Comment: This sequence change falls in intron 1 of the ATL1 gene. It does not directly change the encoded amino acid sequence of the ATL1 protein. It affects a nucleotide within the consensus splice site. This variant is present in population databases (rs184968459, gnomAD 0.02%). This variant has not been reported in the literature in individuals affected with ATL1-related conditions. ClinVar contains an entry for this variant (Variation ID: 964756). Variants that disrupt the consensus splice site are a relatively common cause of aberrant splicing (PMID: 17576681, 9536098). Algorithms developed to predict the effect of sequence changes on RNA splicing suggest that this variant may disrupt the consensus splice site. In summary, the available evidence is currently insufficient to determine the role of this variant in disease. Therefore, it has been classified as a Variant of Uncertain Significance.

PreventionGenetics, part of Exact Sciences
Classification: Likely benign for ATL1-related condition. Last evaluated: 2025-04-24. Review status: criteria provided, single submitter. Criteria: ACMG Guidelines, 2015. Collection method: clinical testing. Allele origin: germline.
Comment: This variant is classified as likely benign based on ACMG/AMP sequence variant interpretation guidelines (Richards et al. 2015 PMID: 25741868, with internal and published modifications).

Literature cited by the submitters: PubMed 17576681 (cited by Labcorp Genetics (formerly Invitae), Labcorp); PubMed 9536098 (cited by Labcorp Genetics (formerly Invitae), Labcorp).